The following is an entry in ClinVar:

NM_006852.6(TLK2):c.668G>A (p.Ser223Asn)

Gene: TLK2 (tousled like kinase 2; plus strand). Cytogenetic location: 17q23.2.
Variant type: single nucleotide variant.
Coding change: c.668G>A on transcript NM_006852.6 (MANE Select); coding-DNA position 668, G replaced by A.
Protein change: p.Ser223Asn; replaces serine 223 with asparagine.
Molecular consequence: missense variant. On other transcripts: intron variant (1).
Genome position (GRCh38, 1-based): chr17:62,553,703, G>A. VCF-style: chr17-62553703-G-A. GRCh37 (hg19) VCF-style: chr17-60631064-G-A.
Other names: c.668G>A, p.Ser223Asn (NM_001284333.3, NM_001375270.1, NM_001375271.1); c.572G>A, p.Ser191Asn (NM_001284363.1, NM_001375272.1); c.221G>A, p.Ser74Asn (NM_001330418.3, NM_001375273.1); c.710G>A, p.Ser237Asn (NM_001375269.1); c.436-6313G>A (NM_001411074.1); short protein forms S191N, S223N, S237N, S74N.
Identifiers: ClinVar variation 3381626 (VCV003381626.1).

ClinVar aggregate classification (germline): Uncertain significance (1 of 4 stars; one submission).

Submission:

GeneDx
Classification: Uncertain significance. Last evaluated: 2024-05-21. Review status: criteria provided, single submitter. Criteria: GeneDx Variant Classification Process June 2021. Collection method: clinical testing. Allele origin: germline. Affected: yes.
Comment: Not observed at significant frequency in large population cohorts (gnomAD); In silico analysis indicates that this missense variant does not alter protein structure/function; Has not been previously published as pathogenic or benign to our knowledge